The following is an entry in ClinVar:

NM_003560.4(PLA2G6):c.1686G>T (p.Glu562Asp)

Gene: PLA2G6 (phospholipase A2 group VI; minus strand). Cytogenetic location: 22q13.1.
Variant type: single nucleotide variant.
Coding change: c.1686G>T on transcript NM_003560.4 (MANE Select); coding-DNA position 1686, G replaced by T.
Protein change: p.Glu562Asp; replaces glutamic acid 562 with aspartic acid.
Molecular consequence: missense variant.
Genome position (GRCh38, 1-based): chr22:38,120,815, C>A on the plus strand (G>T on the coding strand, the complement: PLA2G6 is on the minus strand). VCF-style: chr22-38120815-C-A. GRCh37 (hg19) VCF-style: chr22-38516822-C-A.
Other names: c.1524G>T, p.Glu508Asp (NM_001004426.3, NM_001199562.3, NM_001349865.2 and 1 more transcripts); c.1686G>T, p.Glu562Asp (NM_001349864.2); c.1152G>T, p.Glu384Asp (NM_001349867.2); c.1008G>T, p.Glu336Asp (NM_001349868.2); c.990G>T, p.Glu330Asp (NM_001349869.2); short protein forms E330D, E336D, E384D, E508D, E562D.
Identifiers: ClinVar variation 3257066 (VCV003257066.17).

ClinVar aggregate classification (germline): Uncertain significance (1 of 4 stars; one submission).

Submission:

CeGaT Center for Human Genetics Tuebingen
Classification: Uncertain significance. Last evaluated: 2024-07-01. Review status: criteria provided, single submitter. Criteria: CeGaT Center For Human Genetics Tuebingen Variant Classification Criteria Version 2. Collection method: clinical testing. Allele origin: germline. Affected: yes. Observed: 1 variant allele.
Comment: PLA2G6: PM2